The following is an entry in ClinVar:

ClinVar aggregate classification (germline): Pathogenic. Review status: criteria provided, multiple submitters, no conflicts (2 of 4 stars). 2 submissions from 2 submitters: Pathogenic (2). Last evaluated 2026-09-09.

Conditions:
ABCA4-related disorder. Also called: ABCA4-related disorders; ABCA4-related condition. Identifiers: MedGen CN239167.

Submissions (2):

PreventionGenetics, part of Exact Sciences
Classification: Pathogenic for ABCA4-related condition. Last evaluated: 2026-09-09. Review status: criteria provided, single submitter. Criteria: ACMG Guidelines, 2015. Collection method: clinical testing. Allele origin: germline.
Comment: The ABCA4 c.5615G>A variant is predicted to result in premature protein termination (p.Trp1872*). This variant was reported along with a second variant in an individual with Stargardt disease 1 (Zuazo et al. 2018. PubMed ID: 30156925). This variant has not been reported in a large population database (gnomAD), indicating this variant is rare. Nonsense variants in ABCA4 are expected to be pathogenic. This variant is interpreted as pathogenic.

Labcorp Genetics (formerly Invitae), Labcorp
Classification: Pathogenic. Last evaluated: 2021-07-27. Review status: criteria provided, single submitter. Criteria: Invitae Variant Classification Sherloc (09022015). Collection method: clinical testing. Allele origin: germline.
Comment: For these reasons, this variant has been classified as Pathogenic. Algorithms developed to predict the effect of sequence changes on RNA splicing suggest that this variant may create or strengthen a splice site. This premature translational stop signal has been observed in individual(s) with Stargardt disease (PMID: 30156925). This variant is not present in population databases (ExAC no frequency). This sequence change creates a premature translational stop signal (p.Trp1872*) in the ABCA4 gene. It is expected to result in an absent or disrupted protein product. Loss-of-function variants in ABCA4 are known to be pathogenic (PMID: 10958761, 24938718, 25312043, 26780318).

Literature cited by the submitters: PubMed 30156925 (cited by Labcorp Genetics (formerly Invitae), Labcorp); PubMed 10958761 (cited by Labcorp Genetics (formerly Invitae), Labcorp); PubMed 24938718 (cited by Labcorp Genetics (formerly Invitae), Labcorp); PubMed 25312043 (cited by Labcorp Genetics (formerly Invitae), Labcorp); PubMed 26780318 (cited by Labcorp Genetics (formerly Invitae), Labcorp).

NM_000350.3(ABCA4):c.5615G>A (p.Trp1872Ter)

Gene: ABCA4 (ATP binding cassette subfamily A member 4; minus strand). Cytogenetic location: 1p22.1.
Variant type: single nucleotide variant.
Coding change: c.5615G>A on transcript NM_000350.3 (MANE Select); coding-DNA position 5615, G replaced by A.
Protein change: p.Trp1872Ter; replaces tryptophan 1872 with a stop codon.
Molecular consequence: nonsense.
Genome position (GRCh38, 1-based): chr1:94,010,899, C>T on the plus strand (G>A on the coding strand, the complement: ABCA4 is on the minus strand). VCF-style: chr1-94010899-C-T. GRCh37 (hg19) VCF-style: chr1-94476455-C-T.
Other names: c.5615G>A (NM_000350.2); c.5393G>A, p.Trp1798Ter (NM_001425324.1); short protein forms W1872*, W1798*.
Identifiers: ClinVar variation 1383160 (VCV001383160.7), dbSNP rs2101007643, ClinGen allele CA341280892.